The following is an entry in ClinVar:

ClinVar aggregate classification (germline): Uncertain significance (1 of 4 stars; one submission).

Conditions:
Adenylosuccinate lyase deficiency (ADSLD). Also called: ADSL DEFICIENCY. Identifiers: Orphanet 46, MedGen C0268126, MONDO:0007068, OMIM 103050.

Allele frequency attached by ClinVar (database versions not stated): ExAC 0.00002; gnomAD 0.00003; TOPMed 0.00003.

Submission:

Labcorp Genetics (formerly Invitae), Labcorp
Classification: Uncertain significance for Adenylosuccinate lyase deficiency. Last evaluated: 2024-10-29. Review status: criteria provided, single submitter. Criteria: Invitae Variant Classification Sherloc (09022015). Collection method: clinical testing. Allele origin: germline.
Comment: This variant occurs in a non-coding region of the ADSL gene. It does not change the encoded amino acid sequence of the ADSL protein. The frequency data for this variant in the population databases is considered unreliable, as metrics indicate poor data quality at this position in the gnomAD database. This variant has not been reported in the literature in individuals affected with ADSL-related conditions. ClinVar contains an entry for this variant (Variation ID: 1023254). Experimental studies and prediction algorithms are not available or were not evaluated, and the functional significance of this variant is currently unknown. In summary, the available evidence is currently insufficient to determine the role of this variant in disease. Therefore, it has been classified as a Variant of Uncertain Significance.

NM_000026.4(ADSL):c.-12C>T

Gene: ADSL (adenylosuccinate lyase; plus strand). Cytogenetic location: 22q13.1.
Variant type: single nucleotide variant.
Coding change: c.-12C>T on transcript NM_000026.4 (MANE Select); 12 bases upstream of the start codon, C replaced by T.
Molecular consequence: 5 prime UTR variant. On other transcripts: non-coding transcript variant (1).
Genome position (GRCh38, 1-based): chr22:40,346,547, C>T. VCF-style: chr22-40346547-C-T. GRCh37 (hg19) VCF-style: chr22-40742551-C-T.
Other names: c.-12C>T (NM_001123378.3, NM_001363840.3); c.-149C>T (NM_001317923.2).
Identifiers: ClinVar variation 1023254 (VCV001023254.6), dbSNP rs775388314, ClinGen allele CA10247571.